The following is an entry in ClinVar:

ClinVar aggregate classification (germline): Uncertain significance (1 of 4 stars; one submission).

Submission:

Dasa
Classification: Uncertain significance. Last evaluated: 2025-07-08. Review status: criteria provided, single submitter. Criteria: DASA Assertion Criteria. Collection method: clinical testing. Allele origin: germline.
Comment: NM_004456.5(EZH2):c.1004dup (p.Ala336Serfs*11) is a frameshift variant in EZH2 predicted to alter the reading frame and introduce a premature termination codon. This variant is absent from population databases. The currently available literature and clinical evidence are not sufficient to establish a definitive association between this variant and the reported condition. Therefore, this variant is classified as a variant of uncertain significance.

NM_004456.5(EZH2):c.1004dup (p.Ala336fs)

Gene: EZH2 (enhancer of zeste 2 polycomb repressive complex 2 subunit; minus strand). Cytogenetic location: 7q36.1.
Variant type: Duplication.
Coding change: c.1004dup on transcript NM_004456.5 (MANE Select); coding-DNA position 1004, one base duplicated (G; older notation c.1004dupG).
Protein change: p.Ala336fs; shifts the reading frame from alanine 336.
Molecular consequence: frameshift variant.
Genome position (GRCh38, 1-based): chr7:148,818,113, C duplicated on the plus strand (G on the coding strand, the reverse complement: EZH2 is on the minus strand); the first of 3 consecutive C bases (chr7:148,818,113-148,818,115); duplicating any one gives the same sequence. VCF-style (leftmost placement, unchanged base first): chr7-148818112-T-TC. GRCh37 (hg19) VCF-style: chr7-148515204-T-TC.
Other names: c.989dup, p.Ala331fs (NM_001203247.2); c.962dup, p.Ala322fs (NM_001203248.2, NM_001203249.2); c.872dup, p.Ala292fs (NM_152998.3); short protein forms A292fs, A322fs, A331fs, A336fs.
Identifiers: ClinVar variation 4886253 (VCV004886253.2).